The following is an entry in ClinVar:

ClinVar aggregate classification (germline): Likely benign (1 of 4 stars; one submission).

gnomAD v4.1: 398 of 1,584,594 alleles (0.025%); highest among the groups gnomAD compares: Middle Eastern, 0.05%; 1 homozygote.

Submission:

CeGaT Center for Human Genetics Tuebingen
Classification: Likely benign. Last evaluated: 2025-12-01. Review status: criteria provided, single submitter. Criteria: CeGaT Center For Human Genetics Tuebingen Variant Classification Criteria Version 2. Collection method: clinical testing. Allele origin: germline. Affected: yes. Observed: 2 variant alleles.
Comment: RFX7: BS2

NM_022841.7(RFX7):c.1124A>C (p.Gln375Pro)

Gene: RFX7 (regulatory factor X7; minus strand). Cytogenetic location: 15q21.3.
Variant type: single nucleotide variant.
Coding change: c.1124A>C on transcript NM_022841.7 (MANE Select); coding-DNA position 1124, A replaced by C.
Protein change: p.Gln375Pro; replaces glutamine 375 with proline.
Molecular consequence: missense variant.
Genome position (GRCh38, 1-based): chr15:56,096,604, T>G on the plus strand (A>C on the coding strand, the complement: RFX7 is on the minus strand). VCF-style: chr15-56096604-T-G. GRCh37 (hg19) VCF-style: chr15-56388802-T-G.
Other names: c.833A>C, p.Gln278Pro (NM_001368073.2, NM_001368074.1, NM_001370554.1); c.1124A>C, p.Gln375Pro (NM_001370561.1); short protein forms Q278P, Q375P.
Identifiers: ClinVar variation 4681473 (VCV004681473.5).
Genomic context (GRCh38, chr15:56,096,604, plus strand): 5'-ACATTGAGGGGAAGAACTTTGCCGTCAGAAGAACTCATTGGACTCGGTGAAGTTACCAAT[T>G]GCCTAGTCCGCTGGACCTGTTAAAAGATAGCAAAAAATCAGATTTAACAGGTCTAGCCTG-3'
Protein context (NP_073752.6, residues 365-385): PSPIPVQRTR[Gln375Pro]LVTSPSPMSS